The following is an entry in ClinVar:

ClinVar aggregate classification (germline): Uncertain significance. Review status: criteria provided, multiple submitters, no conflicts (2 of 4 stars). 2 submissions from 2 submitters: Uncertain significance (2). Last evaluated 2022-10-17.

Allele frequency attached by ClinVar (database versions not stated): TOPMed 0.00001.

Submissions (2):

Labcorp Genetics (formerly Invitae), Labcorp
Classification: Uncertain significance. Last evaluated: 2022-10-17. Review status: criteria provided, single submitter. Criteria: Invitae Variant Classification Sherloc (09022015). Collection method: clinical testing. Allele origin: germline.
Comment: This sequence change replaces glycine, which is neutral and non-polar, with valine, which is neutral and non-polar, at codon 16 of the LRIT3 protein (p.Gly16Val). This variant is not present in population databases (gnomAD no frequency). This variant has not been reported in the literature in individuals affected with LRIT3-related conditions. ClinVar contains an entry for this variant (Variation ID: 972114). Algorithms developed to predict the effect of missense changes on protein structure and function (SIFT, PolyPhen-2, Align-GVGD) all suggest that this variant is likely to be tolerated. In summary, the available evidence is currently insufficient to determine the role of this variant in disease. Therefore, it has been classified as a Variant of Uncertain Significance.

Blueprint Genetics
Classification: Uncertain significance. Last evaluated: 2022-09-02. Review status: criteria provided, single submitter. Criteria: ACMG Guidelines, 2015. Collection method: clinical testing. Allele origin: germline.

NM_198506.5(LRIT3):c.47G>T (p.Gly16Val)

Gene: LRIT3 (leucine rich repeat, Ig-like and transmembrane domains 3; plus strand). Cytogenetic location: 4q25.
Variant type: single nucleotide variant.
Coding change: c.47G>T on transcript NM_198506.5 (MANE Select); coding-DNA position 47, G replaced by T.
Protein change: p.Gly16Val; replaces glycine 16 with valine.
Molecular consequence: missense variant.
Genome position (GRCh38, 1-based): chr4:109,848,248, G>T. VCF-style: chr4-109848248-G-T. GRCh37 (hg19) VCF-style: chr4-110769404-G-T.
Other names: short protein forms G16V.
Identifiers: ClinVar variation 972114 (VCV000972114.8), dbSNP rs1399633454, ClinGen allele CA357869799.